The following is an entry in ClinVar:

ClinVar aggregate classification (germline): Uncertain significance. Review status: criteria provided, multiple submitters, no conflicts (2 of 4 stars). 2 submissions from 2 submitters: Uncertain significance (2). Last evaluated 2022-02-15.

Conditions:
Landau-Kleffner syndrome (FESD). Also called: APHASIA, ACQUIRED, WITH EPILEPSY; EPILEPSY, FOCAL, WITH SPEECH DISORDER AND WITH OR WITHOUT MENTAL RETARDATION. Identifiers: Orphanet 1945, Orphanet 725, Orphanet 98818, MedGen C0282512, MONDO:0009509, OMIM 245570.

Allele frequency attached by ClinVar (database versions not stated): gnomAD 0.00001; gnomAD exomes 0.00001; TOPMed 0.00001; ExAC 0.00001.
gnomAD v4.1: 40 of 1,613,562 alleles (0.0025%); highest among the groups gnomAD compares: Non-Finnish European, 0.0032%; no homozygotes.

Submissions (2):

Department of Pathology and Laboratory Medicine, Sinai Health System
Classification: Uncertain significance for Landau-Kleffner syndrome. Last evaluated: 2022-02-15. Review status: criteria provided, single submitter. Criteria: ACMG Guidelines, 2015. Collection method: research. Allele origin: germline.

Labcorp Genetics (formerly Invitae), Labcorp
Classification: Uncertain significance for Landau-Kleffner syndrome. Last evaluated: 2022-02-04. Review status: criteria provided, single submitter. Criteria: Invitae Variant Classification Sherloc (09022015). Collection method: clinical testing. Allele origin: germline.
Comment: In summary, the available evidence is currently insufficient to determine the role of this variant in disease. Therefore, it has been classified as a Variant of Uncertain Significance. Advanced modeling of protein sequence and biophysical properties (such as structural, functional, and spatial information, amino acid conservation, physicochemical variation, residue mobility, and thermodynamic stability) performed at Invitae indicates that this missense variant is not expected to disrupt GRIN2A protein function. This variant has not been reported in the literature in individuals affected with GRIN2A-related conditions. This variant is present in population databases (rs779746293, gnomAD 0.003%). This sequence change replaces valine, which is neutral and non-polar, with methionine, which is neutral and non-polar, at codon 1145 of the GRIN2A protein (p.Val1145Met).

NM_001134407.3(GRIN2A):c.3433G>A (p.Val1145Met)

Gene: GRIN2A (glutamate ionotropic receptor NMDA type subunit 2A; minus strand). Cytogenetic location: 16p13.2.
Variant type: single nucleotide variant.
Coding change: c.3433G>A on transcript NM_001134407.3 (MANE Select); coding-DNA position 3433, G replaced by A.
Protein change: p.Val1145Met; replaces valine 1145 with methionine.
Molecular consequence: missense variant.
Genome position (GRCh38, 1-based): chr16:9,764,111, C>T on the plus strand (G>A on the coding strand, the complement: GRIN2A is on the minus strand). VCF-style: chr16-9764111-C-T. GRCh37 (hg19) VCF-style: chr16-9857968-C-T.
Other names: c.3433G>A, p.Val1145Met (NM_000833.5, NM_001134408.2); short protein forms V1145M.
Identifiers: ClinVar variation 1394669 (VCV001394669.7), dbSNP rs779746293, ClinGen allele CA7896316.